The following is an entry in ClinVar:

NM_002024.6(FMR1):c.818A>G (p.Lys273Arg)

Gene: FMR1 (fragile X messenger ribonucleoprotein 1; plus strand). Cytogenetic location: Xq27.3.
Variant type: single nucleotide variant.
Coding change: c.818A>G on transcript NM_002024.6 (MANE Select); coding-DNA position 818, A replaced by G.
Protein change: p.Lys273Arg; replaces lysine 273 with arginine.
Molecular consequence: missense variant. On other transcripts: non-coding transcript variant (2).
Genome position (GRCh38, 1-based): chrX:147,932,701, A>G. VCF-style: chrX-147932701-A-G. GRCh37 (hg19) VCF-style: chrX-147014220-A-G.
Other names: NC_000023.10:g.147014220A>G; c.818A>G, p.Lys273Arg (NM_001185075.2, NM_001185076.2, NM_001185081.2 and 1 more transcripts); short protein forms K273R.
Identifiers: ClinVar variation 444826 (VCV000444826.50), dbSNP rs139029212, ClinGen allele CA10536229.

ClinVar aggregate classification (germline): Benign/Likely benign. Review status: criteria provided, multiple submitters, no conflicts (2 of 4 stars). 4 submissions from 4 submitters: Benign (2); Likely benign (2). Last evaluated 2025-02-16.

Conditions:
Inborn genetic diseases. Identifiers: MedGen C0950123, MeSH D030342.
Fragile X syndrome. Also called: MARKER X SYNDROME; MARTIN-BELL SYNDROME; MENTAL RETARDATION, X-LINKED, ASSOCIATED WITH marXq28; Fragile X syndrome, type A; Fra(X) syndrome; Fragile X Syndrome (FXS). Identifiers: Orphanet 449291, Orphanet 908, MedGen C0016667, MONDO:0010383, OMIM 300624. Disease mechanism: loss of function.

Allele frequency attached by ClinVar (database versions not stated): gnomAD 0.00015 and 0.00016; gnomAD exomes 0.00016 and 0.00029; TOPMed 0.00019; ESP Exome Variant Server 0.00028; ExAC 0.00031.
gnomAD v4.1: 195 of 1,207,121 alleles (0.016%); highest among the groups gnomAD compares: Non-Finnish European, 0.016%; no homozygotes.

Submissions (7):

Laboratory of Genetics, Children's Clinical University Hospital Latvia
Classification: Likely benign. Last evaluated: 2025-02-16. Review status: criteria provided, single submitter. Criteria: ACMG Guidelines, 2015. Collection method: clinical testing. Allele origin: germline. Affected: yes.

CeGaT Center for Human Genetics Tuebingen
Classification: Likely benign. Last evaluated: 2022-07-01. Review status: criteria provided, single submitter. Criteria: CeGaT Center For Human Genetics Tuebingen Variant Classification Criteria Version 2. Collection method: clinical testing. Allele origin: germline. Affected: yes. Observed: 3 variant alleles.
Comment: FMR1: BS2

Ambry Genetics
Classification: Benign for Inborn genetic diseases. Last evaluated: 2022-05-06. Review status: criteria provided, single submitter. Criteria: Ambry Variant Classification Scheme 2023. Collection method: clinical testing. Allele origin: germline.

Centre for Mendelian Genomics, University Medical Centre Ljubljana
Classification: Benign for Fragile X syndrome. Last evaluated: 2018-11-16. Review status: criteria provided, single submitter. Criteria: ACMG Guidelines, 2015. Collection method: clinical testing. Allele origin: unknown. Affected: yes.
Comment: This variant was classified as: Benign. The following ACMG criteria were applied in classifying this variant: BS1,BS2.

Dr. Peter K. Rogan Lab, Western University
No classification provided (evidence only). Condition: Thyroid cancer, nonmedullary, 1. Review status: no classification provided. Collection method: in vitro. Allele origin: not applicable. Functional consequence: retained intron. Not counted in ClinVar's aggregate classification.

Dr. Peter K. Rogan Lab, Western University
No classification provided (evidence only). Condition: Gastric cancer. Review status: no classification provided. Collection method: in vitro. Allele origin: not applicable. Functional consequence: retained intron. Not counted in ClinVar's aggregate classification.

Dr. Peter K. Rogan Lab, Western University
No classification provided (evidence only). Condition: Malignant tumor of esophagus. Review status: no classification provided. Collection method: in vitro. Allele origin: not applicable. Functional consequence: retained intron. Not counted in ClinVar's aggregate classification.